The following is an entry in ClinVar:

NM_000209.4(PDX1):c.216C>T (p.Pro72=)

Gene: PDX1 (pancreatic and duodenal homeobox 1; plus strand). Cytogenetic location: 13q12.2.
Variant type: single nucleotide variant.
Coding change: c.216C>T on transcript NM_000209.4 (MANE Select); coding-DNA position 216, C replaced by T.
Protein change: p.Pro72=; no amino-acid change (proline 72 retained).
Molecular consequence: synonymous variant.
Genome position (GRCh38, 1-based): chr13:27,920,354, C>T. VCF-style: chr13-27920354-C-T. GRCh37 (hg19) VCF-style: chr13-28494491-C-T.
Identifiers: ClinVar variation 36405 (VCV000036405.10), dbSNP rs193922353, ClinGen allele CA325746.
Genomic context (GRCh38, chr13:27,920,354, plus strand): 5'-CGCCCTGGGCGCGCTGGAGCAGGGCAGCCCCCCGGACATCTCCCCGTACGAGGTGCCCCC[C>T]CTCGCCGACGACCCCGCGGTGGCGCACCTTCACCACCACCTCCCGGCTCAGCTCGCGCTC-3'
Protein context (NP_000200.1, residues 62-82): PPDISPYEVP[Pro72=]LADDPAVAHL

ClinVar aggregate classification (germline): Likely benign. Review status: criteria provided, multiple submitters, no conflicts (2 of 4 stars). 3 submissions from 3 submitters: Likely benign (3). Last evaluated 2024-11-07.

Conditions:
Type 2 diabetes mellitus. Also called: Type II diabetes mellitus. Identifiers: MedGen C0011860, MeSH D003924, MONDO:0005148, OMIM 125853, HP:0005978.
Pancreatic agenesis 1 (PAGEN1). Also called: PANCREATIC HYPOPLASIA, CONGENITAL. Identifiers: Orphanet 2805, MedGen C3891828, MONDO:0024547, OMIM 260370.
Maturity-onset diabetes of the young type 4 (MODY4). Also called: Maturity-onset diabetes of the young, type IV; MODY, type IV. Identifiers: Orphanet 552, MedGen C1833382, MONDO:0011667, OMIM 606392.
Neonatal diabetes mellitus (NDM). Identifiers: Orphanet 224, MedGen C0158981, MONDO:0016391.

Allele frequency attached by ClinVar (database versions not stated): gnomAD 0.00001; gnomAD exomes 0.00001.
gnomAD v4.1: 6 of 1,542,962 alleles (0.00039%); highest among the groups gnomAD compares: Non-Finnish European, 0.00044%; no homozygotes.

Submissions (3):

Labcorp Genetics (formerly Invitae), Labcorp
Classification: Likely benign. Last evaluated: 2024-11-07. Review status: criteria provided, single submitter. Criteria: Invitae Variant Classification Sherloc (09022015). Collection method: clinical testing. Allele origin: germline.

Fulgent Genetics
Classification: Likely benign for Type 2 diabetes mellitus; Pancreatic agenesis 1; Maturity-onset diabetes of the young type 4. Last evaluated: 2022-04-14. Review status: criteria provided, single submitter. Criteria: ACMG Guidelines, 2015. Collection method: clinical testing. Allele origin: unknown.

Women's Health and Genetics/Laboratory Corporation of America, LabCorp
Classification: Likely benign for Neonatal Diabetes Mellitus. Last evaluated: 2011-08-18. Review status: criteria provided, single submitter. Criteria: LabCorp Variant Classification Summary - May 2015. Collection method: curation, clinical testing. Allele origin: germline. Inheritance: autosomal unknown. Affected: yes.
ClinVar note: Converted during submission from likely benign to Likely benign.